The following is an entry in ClinVar:

ClinVar aggregate classification (germline): Uncertain significance (1 of 4 stars; one submission).

Conditions:
Congenital myasthenic syndrome 8. Also called: MYASTHENIC SYNDROME, CONGENITAL, DUE TO AGRIN DEFICIENCY; Myasthenic syndrome, congenital, 8, with pre- and postsynaptic defects. Identifiers: Orphanet 590, MedGen C3808739, MONDO:0014052, OMIM 615120.

gnomAD v4.1: 3 of 1,598,212 alleles (0.00019%); highest among the groups gnomAD compares: Middle Eastern, 0.017%; no homozygotes.

Submission:

Labcorp Genetics (formerly Invitae), Labcorp
Classification: Uncertain significance for Congenital myasthenic syndrome 8. Last evaluated: 2020-01-17. Review status: criteria provided, single submitter. Criteria: Invitae Variant Classification Sherloc (09022015). Collection method: clinical testing. Allele origin: germline.
Comment: This variant is not present in population databases (ExAC no frequency). This variant has not been reported in the literature in individuals with AGRN-related conditions. Algorithms developed to predict the effect of missense changes on protein structure and function (SIFT, PolyPhen-2, Align-GVGD) all suggest that this variant is likely to be tolerated, but these predictions have not been confirmed by published functional studies and their clinical significance is uncertain. This sequence change replaces proline with serine at codon 1475 of the AGRN protein (p.Pro1475Ser). The proline residue is moderately conserved and there is a moderate physicochemical difference between proline and serine. In summary, the available evidence is currently insufficient to determine the role of this variant in disease. Therefore, it has been classified as a Variant of Uncertain Significance.

NM_198576.4(AGRN):c.4423C>T (p.Pro1475Ser)

Gene: AGRN (agrin; plus strand). Cytogenetic location: 1p36.33.
Variant type: single nucleotide variant.
Coding change: c.4423C>T on transcript NM_198576.4 (MANE Select); coding-DNA position 4423, C replaced by T.
Protein change: p.Pro1475Ser; replaces proline 1475 with serine.
Molecular consequence: missense variant.
Genome position (GRCh38, 1-based): chr1:1,049,360, C>T. VCF-style: chr1-1049360-C-T. GRCh37 (hg19) VCF-style: chr1-984740-C-T.
Other names: c.4423C>T, p.Pro1475Ser (NM_001305275.2); c.4108C>T, p.Pro1370Ser (NM_001364727.2); short protein forms P1370S, P1475S.
Identifiers: ClinVar variation 1010500 (VCV001010500.8), dbSNP rs1645204517, ClinGen allele CA337777306.